The following is an entry in ClinVar:

ClinVar aggregate classification (germline): Conflicting classifications of pathogenicity. Review status: criteria provided, conflicting classifications (1 of 4 stars). 2 submissions from 2 submitters: Uncertain significance (1); Likely benign (1). Last evaluated 2025-01-06.

Conditions:
RAD50-related disorder. Also called: RAD50-related condition.
Hereditary cancer-predisposing syndrome. Also called: Hereditary neoplastic syndrome; Neoplastic Syndromes, Hereditary; Hereditary Cancer Syndrome; Tumor predisposition. Identifiers: Orphanet 140162, MedGen C0027672, MeSH D009386, MONDO:0015356.

gnomAD v4.1: 1 of 1,609,540 alleles (0.000062%); highest among the groups gnomAD compares: Non-Finnish European, 0.000085%; no homozygotes.

Submissions (2):

PreventionGenetics, part of Exact Sciences
Classification: Uncertain significance for RAD50-related condition. Last evaluated: 2025-01-06. Review status: criteria provided, single submitter. Criteria: ACMG Guidelines, 2015. Collection method: clinical testing. Allele origin: germline.
Comment: The RAD50 c.2535G>A variant is not predicted to result in an amino acid change (p.=). This variant is predicted to alter splicing based on available splicing prediction programs (SpliceAI, Jaganathan et al. 2019. PubMed ID: 30661751). However, the use of computer prediction programs is not equivalent to functional evidence. To our knowledge, this variant has not been reported in the literature or in a large population database (gnomAD), indicating this variant is rare. This variant is interpreted as likely benign by one submitter in ClinVar. At this time, the clinical significance of this variant is uncertain due to the absence of conclusive functional and genetic evidence.

Labcorp Genetics (formerly Invitae), Labcorp
Classification: Likely benign for Hereditary cancer-predisposing syndrome. Last evaluated: 2023-04-24. Review status: criteria provided, single submitter. Criteria: Invitae Variant Classification Sherloc (09022015). Collection method: clinical testing. Allele origin: germline.

NM_005732.4(RAD50):c.2535G>A (p.Lys845=)

Gene: RAD50 (RAD50 double strand break repair protein; plus strand). Cytogenetic location: 5q31.1.
Variant type: single nucleotide variant.
Coding change: c.2535G>A on transcript NM_005732.4 (MANE Select); coding-DNA position 2535, G replaced by A.
Protein change: p.Lys845=; no amino-acid change (lysine 845 retained).
Molecular consequence: synonymous variant.
Genome position (GRCh38, 1-based): chr5:132,604,816, G>A. VCF-style: chr5-132604816-G-A. GRCh37 (hg19) VCF-style: chr5-131940508-G-A.
Identifiers: ClinVar variation 758363 (VCV000758363.10), dbSNP rs1581002006, ClinGen allele CA446363956.